The following is an entry in ClinVar:

NM_003265.3(TLR3):c.2432G>A (p.Arg811Lys)

Gene: TLR3 (toll like receptor 3; plus strand). Cytogenetic location: 4q35.1.
Variant type: single nucleotide variant.
Coding change: c.2432G>A on transcript NM_003265.3 (MANE Select); coding-DNA position 2432, G replaced by A.
Protein change: p.Arg811Lys; replaces arginine 811 with lysine.
Molecular consequence: missense variant.
Genome position (GRCh38, 1-based): chr4:186,084,118, G>A. VCF-style: chr4-186084118-G-A. GRCh37 (hg19) VCF-style: chr4-187005272-G-A.
Other names: short protein forms R811K.
Identifiers: ClinVar variation 2071311 (VCV002071311.4), dbSNP rs1244010954, ClinGen allele CA358937264.

ClinVar aggregate classification (germline): Uncertain significance (1 of 4 stars; one submission).

Conditions:
Encephalopathy, acute, infection-induced (herpes-specific), susceptibility to, 1. Also called: Herpes simplex encephalitis, susceptibility to, 1. Identifiers: Orphanet 1930, MedGen C2750180, MONDO:0024563, OMIM 610551.

Allele frequency attached by ClinVar (database versions not stated): gnomAD 0.00001; gnomAD exomes 0.00001; TOPMed 0.00002.
gnomAD v4.1: 12 of 1,613,648 alleles (0.00074%); highest among the groups gnomAD compares: Admixed American, 0.005%; no homozygotes.

Submission:

Labcorp Genetics (formerly Invitae), Labcorp
Classification: Uncertain significance for Encephalopathy, acute, infection-induced (herpes-specific), susceptibility to, 1. Last evaluated: 2025-06-14. Review status: criteria provided, single submitter. Criteria: Invitae Variant Classification Sherloc (09022015). Collection method: clinical testing. Allele origin: germline.
Comment: This sequence change replaces arginine, which is basic and polar, with lysine, which is basic and polar, at codon 811 of the TLR3 protein (p.Arg811Lys). This variant is present in population databases (no rsID available, gnomAD 0.009%). This variant has not been reported in the literature in individuals affected with TLR3-related conditions. ClinVar contains an entry for this variant (Variation ID: 2071311). An algorithm developed to predict the effect of missense changes on protein structure and function outputs the following: PolyPhen-2: "Benign". The lysine amino acid residue is found in multiple mammalian species, which suggests that this missense change does not adversely affect protein function. In summary, the available evidence is currently insufficient to determine the role of this variant in disease. Therefore, it has been classified as a Variant of Uncertain Significance.